The following is an entry in ClinVar:

ClinVar aggregate classification (germline): Likely benign (1 of 4 stars; one submission).

gnomAD v4.1: 68 of 1,313,956 alleles (0.0052%); highest among the groups gnomAD compares: Non-Finnish European, 0.0063%; 1 homozygote.

Submission:

CeGaT Center for Human Genetics Tuebingen
Classification: Likely benign. Last evaluated: 2022-08-01. Review status: criteria provided, single submitter. Criteria: CeGaT Center For Human Genetics Tuebingen Variant Classification Criteria Version 2. Collection method: clinical testing. Allele origin: germline. Affected: yes. Observed: 1 variant allele.
Comment: AKAP12: BP4, BP7

NM_005100.4(AKAP12):c.99G>A (p.Ser33=)

Gene: AKAP12 (A-kinase anchoring protein 12; plus strand). Cytogenetic location: 6q25.1.
Variant type: single nucleotide variant.
Coding change: c.99G>A on transcript NM_005100.4 (MANE Select); coding-DNA position 99, G replaced by A.
Protein change: p.Ser33=; no amino-acid change (serine 33 retained).
Molecular consequence: synonymous variant.
Genome position (GRCh38, 1-based): chr6:151,240,661, G>A. VCF-style: chr6-151240661-G-A. GRCh37 (hg19) VCF-style: chr6-151561796-G-A.
Identifiers: ClinVar variation 2656997 (VCV002656997.24), dbSNP rs937163256, ClinGen allele CA150226094.